The following is an entry in ClinVar:

ClinVar aggregate classification (germline): Pathogenic. Review status: criteria provided, multiple submitters, no conflicts (2 of 4 stars). 2 submissions from 2 submitters: Pathogenic (2). Last evaluated 2024-08-20.

Conditions:
Autosomal recessive polycystic kidney disease (ARPKD). Also called: AR polycystic kidney disease. Identifiers: Orphanet 731, Orphanet 8378, MedGen C0085548, MeSH D017044, MONDO:0009889.

Allele frequency attached by ClinVar (database versions not stated): gnomAD exomes below 0.00001; TOPMed below 0.00001; gnomAD 0.00001.
gnomAD v4.1: 6 of 1,613,142 alleles (0.00037%); highest among the groups gnomAD compares: Non-Finnish European, 0.00051%; no homozygotes.

Submissions (2):

Natera, Inc.
Classification: Pathogenic for Autosomal recessive polycystic kidney disease. Last evaluated: 2024-08-20. Review status: criteria provided, single submitter. Criteria: Natera Variant Classification Schema (03/2026). Collection method: clinical testing. Allele origin: germline.
Comment: The c.7177C>T variant in PKHD1 is a nonsense variant predicted to introduce a stop codon at amino acid 2393. This variant is expected to result in nonsense mediated decay, truncation, or a dysfunctional protein product. This variant is rare in the general population with a frequency below the threshold expected for the associated phenotype(s). This variant has been observed in one or more individuals affected with the associated recessive disease, as either homozygous or compound heterozygous with a second variant (PMID: 19940839). Given the available evidence, this variant is classified as Pathogenic.

Labcorp Genetics (formerly Invitae), Labcorp
Classification: Pathogenic for Autosomal recessive polycystic kidney disease. Last evaluated: 2019-12-15. Review status: criteria provided, single submitter. Criteria: Invitae Variant Classification Sherloc (09022015). Collection method: clinical testing. Allele origin: germline.
Comment: For these reasons, this variant has been classified as Pathogenic. Loss-of-function variants in PKHD1 are known to be pathogenic (PMID: 19940839). This variant has been observed in individual(s) with polycystic kidney disease (PMID: 19940839). This variant is not present in population databases (ExAC no frequency). This sequence change creates a premature translational stop signal (p.Gln2393*) in the PKHD1 gene. It is expected to result in an absent or disrupted protein product.

Literature cited by the submitters: PubMed 19940839 (cited by Natera, Inc. and Labcorp Genetics (formerly Invitae), Labcorp).

NM_138694.4(PKHD1):c.7177C>T (p.Gln2393Ter)

Gene: PKHD1 (PKHD1 ciliary IPT domain containing fibrocystin/polyductin; minus strand). Cytogenetic location: 6p12.2.
Variant type: single nucleotide variant.
Coding change: c.7177C>T on transcript NM_138694.4 (MANE Select); coding-DNA position 7177, C replaced by T.
Protein change: p.Gln2393Ter; replaces glutamine 2393 with a stop codon.
Molecular consequence: nonsense.
Genome position (GRCh38, 1-based): chr6:51,885,905, G>A on the plus strand (C>T on the coding strand, the complement: PKHD1 is on the minus strand). VCF-style: chr6-51885905-G-A. GRCh37 (hg19) VCF-style: chr6-51750703-G-A.
Other names: c.7177C>T, p.Gln2393Ter (NM_170724.3); short protein forms Q2393*.
Identifiers: ClinVar variation 854964 (VCV000854964.16), dbSNP rs1436814142, ClinGen allele CA364423520.
Genomic context (GRCh38, chr6:51,885,905, plus strand): 5'-CAACAACAACAAAAAAGCTTACCTGGGCACCACCTGCACTTTCCCAAACTGTGAAGCTCT[G>A]GAACAGAGTGGTGCCAGTGACATTATCCCAAGGTGGCTGAAATTTAGGGTATACAAAGAG-3'